The following is an entry in ClinVar:

NM_000264.5(PTCH1):c.747-114C>T

Gene: PTCH1 (patched 1; minus strand). Cytogenetic location: 9q22.32.
Variant type: single nucleotide variant.
Coding change: c.747-114C>T on transcript NM_000264.5 (MANE Select); 114 bases into the intron before coding-DNA position 747, C replaced by T.
Molecular consequence: intron variant.
Genome position (GRCh38, 1-based): chr9:95,480,702, G>A on the plus strand (C>T on the coding strand, the complement: PTCH1 is on the minus strand). VCF-style: chr9-95480702-G-A. GRCh37 (hg19) VCF-style: chr9-98242984-G-A.
Other names: c.744-114C>T (NM_001083603.3); c.549-114C>T (NM_001083602.3); c.747-114C>T (NM_001354918.2); c.294-114C>T (NM_001083605.3, NM_001083604.3, NM_001083606.3 and 1 more transcripts).
Identifiers: ClinVar variation 677031 (VCV000677031.2), dbSNP rs2297088, ClinGen allele CA12964335.

ClinVar aggregate classification (germline): Benign. Review status: criteria provided, multiple submitters, no conflicts (2 of 4 stars). 2 submissions from 2 submitters: Benign (2). Last evaluated 2018-06-18.

Allele frequency attached by ClinVar (database versions not stated): gnomAD exomes 0.35506; 1000 Genomes Project 0.40076; 1000 Genomes Project 30x 0.40334; gnomAD 0.43402 and 0.44525; TOPMed 0.43530.
gnomAD v4.1: 386,074 of 1,052,920 alleles (37%); highest among the groups gnomAD compares: African/African-American, 66%; 75,016 homozygotes.

Submissions (2):

GeneDx
Classification: Benign. Last evaluated: 2018-06-18. Review status: criteria provided, single submitter. Criteria: GeneDx Variant Classification (06012015). Collection method: clinical testing. Allele origin: germline. Affected: yes.
Comment: This variant is considered likely benign or benign based on one or more of the following criteria: it is a conservative change, it occurs at a poorly conserved position in the protein, it is predicted to be benign by multiple in silico algorithms, and/or has population frequency not consistent with disease.

Breakthrough Genomics
Classification: Benign. Review status: criteria provided, single submitter. Criteria: ACMG Guidelines, 2015. Collection method: not provided. Allele origin: germline. Inheritance: Autosomal dominant inheritance. Affected: yes.